The following is an entry in ClinVar:

NM_006623.4(PHGDH):c.34A>G (p.Ser12Gly)

Gene: PHGDH (phosphoglycerate dehydrogenase; plus strand). Cytogenetic location: 1p12.
Variant type: single nucleotide variant.
Coding change: c.34A>G on transcript NM_006623.4 (MANE Select); coding-DNA position 34, A replaced by G.
Protein change: p.Ser12Gly; replaces serine 12 with glycine.
Molecular consequence: missense variant.
Genome position (GRCh38, 1-based): chr1:119,712,056, A>G. VCF-style: chr1-119712056-A-G. GRCh37 (hg19) VCF-style: chr1-120254679-A-G.
Other names: c.34A>G (NM_006623.3); short protein forms S12G.
Identifiers: ClinVar variation 1393987 (VCV001393987.4), dbSNP rs764316050, ClinGen allele CA1036903.

ClinVar aggregate classification (germline): Uncertain significance. Review status: criteria provided, multiple submitters, no conflicts (2 of 4 stars). 2 submissions from 2 submitters: Uncertain significance (2). Last evaluated 2025-04-02.

Conditions:
Inborn genetic diseases. Identifiers: MedGen C0950123, MeSH D030342.
PHGDH deficiency. Identifiers: Orphanet 79351, MedGen C1866174, MONDO:0011152, OMIM 601815.

Allele frequency attached by ClinVar (database versions not stated): gnomAD exomes below 0.00001 and 0.00001; ExAC 0.00001; gnomAD 0.00003 and 0.00005; TOPMed 0.00012.
gnomAD v4.1: 17 of 1,614,100 alleles (0.0011%); highest among the groups gnomAD compares: Admixed American, 0.01%; no homozygotes.

Submissions (2):

Ambry Genetics
Classification: Uncertain significance for Inborn genetic diseases. Last evaluated: 2025-04-02. Review status: criteria provided, single submitter. Criteria: Ambry Variant Classification Scheme 2023. Collection method: clinical testing. Allele origin: germline.

Labcorp Genetics (formerly Invitae), Labcorp
Classification: Uncertain significance for PHGDH deficiency. Last evaluated: 2022-08-20. Review status: criteria provided, single submitter. Criteria: Invitae Variant Classification Sherloc (09022015). Collection method: clinical testing. Allele origin: germline.
Comment: This sequence change replaces serine, which is neutral and polar, with glycine, which is neutral and non-polar, at codon 12 of the PHGDH protein (p.Ser12Gly). This variant is present in population databases (rs764316050, gnomAD 0.003%). This variant has not been reported in the literature in individuals affected with PHGDH-related conditions. ClinVar contains an entry for this variant (Variation ID: 1393987). Algorithms developed to predict the effect of missense changes on protein structure and function are either unavailable or do not agree on the potential impact of this missense change (SIFT: "Tolerated"; PolyPhen-2: "Probably Damaging"; Align-GVGD: "Class C0"). In summary, the available evidence is currently insufficient to determine the role of this variant in disease. Therefore, it has been classified as a Variant of Uncertain Significance.